The following is an entry in ClinVar:

NM_000260.4(MYO7A):c.2785A>G (p.Met929Val)

Gene: MYO7A (myosin VIIA; plus strand). Cytogenetic location: 11q13.5.
Variant type: single nucleotide variant.
Coding change: c.2785A>G on transcript NM_000260.4 (MANE Select); coding-DNA position 2785, A replaced by G.
Protein change: p.Met929Val; replaces methionine 929 with valine.
Molecular consequence: missense variant.
Genome position (GRCh38, 1-based): chr11:77,181,470, A>G. VCF-style: chr11-77181470-A-G. GRCh37 (hg19) VCF-style: chr11-76892516-A-G.
Other names: c.2785A>G, p.Met929Val (NM_001127180.2); c.2752A>G, p.Met918Val (NM_001369365.1); short protein forms M918V, M929V.
Identifiers: ClinVar variation 3777607 (VCV003777607.1).

ClinVar aggregate classification (germline): Uncertain significance (1 of 4 stars; one submission).

gnomAD v4.1: 25 of 1,612,306 alleles (0.0016%); highest among the groups gnomAD compares: Non-Finnish European, 0.002%; no homozygotes.

Submission:

GeneDx
Classification: Uncertain significance. Last evaluated: 2024-10-11. Review status: criteria provided, single submitter. Criteria: GeneDx Variant Classification Process June 2021. Collection method: clinical testing. Allele origin: germline. Affected: yes.
Comment: Not observed at significant frequency in large population cohorts (gnomAD); In silico analysis supports a deleterious effect on splicing; In silico analysis indicates that this missense variant does not alter protein structure/function; Has not been previously published as pathogenic or benign to our knowledge